The following is an entry in ClinVar:

NM_001458.5(FLNC):c.1724G>A (p.Arg575Gln)

Gene: FLNC (filamin C; plus strand). Cytogenetic location: 7q32.1.
Variant type: single nucleotide variant.
Coding change: c.1724G>A on transcript NM_001458.5 (MANE Select); coding-DNA position 1724, G replaced by A.
Protein change: p.Arg575Gln; replaces arginine 575 with glutamine.
Molecular consequence: missense variant.
Genome position (GRCh38, 1-based): chr7:128,840,881, G>A. VCF-style: chr7-128840881-G-A. GRCh37 (hg19) VCF-style: chr7-128480935-G-A.
Other names: c.1724G>A, p.Arg575Gln (NM_001127487.2); short protein forms R575Q.
Identifiers: ClinVar variation 1441166 (VCV001441166.13), dbSNP rs764751276, ClinGen allele CA4474460.
Genomic context (GRCh38, chr7:128,840,881, plus strand): 5'-CCTCTCTGCCCAGCCCCTTTGAGGTACAGGTGAGCCCAGAGGCAGGAGTGCAAAAGGTCC[G>A]GGCCTGGGGTCCTGGTTTGGAGACTGGCCAGGTGGGCAAGTCAGCCGATTTTGTGGTGGA-3'
Protein context (NP_001449.3, residues 565-585): VSPEAGVQKV[Arg575Gln]AWGPGLETGQ

ClinVar aggregate classification (germline): Uncertain significance. Review status: criteria provided, multiple submitters, no conflicts (2 of 4 stars). 4 submissions from 4 submitters: Uncertain significance (4). Last evaluated 2025-06-25.

Conditions:
Cardiovascular phenotype. Identifiers: MedGen CN230736.
Hypertrophic cardiomyopathy 26. Also called: Cardiomyopathy, familial hypertrophic, 26. Identifiers: Orphanet 75249, MedGen C4310749, MONDO:0014883, OMIM 617047.
Myofibrillar myopathy 5. Also called: Filaminopathy (type); FILAMINOPATHY, AUTOSOMAL DOMINANT. Identifiers: Orphanet 171445, MedGen C1836050, MONDO:0012289, OMIM 609524.
Distal myopathy with posterior leg and anterior hand involvement. Also called: WILLIAMS DISTAL MYOPATHY. Identifiers: Orphanet 63273, MedGen C3279722, MONDO:0013550, OMIM 614065.

Allele frequency attached by ClinVar (database versions not stated): gnomAD 0.00001; gnomAD exomes 0.00001 and 0.00002; ExAC 0.00002; TOPMed 0.00002.
gnomAD v4.1: 22 of 1,613,858 alleles (0.0014%); highest among the groups gnomAD compares: Non-Finnish European, 0.0014%; no homozygotes.

Submissions (4):

Institute of Immunology and Genetics Kaiserslautern
Classification: Uncertain significance for Hypertrophic cardiomyopathy 26. Last evaluated: 2025-06-25. Review status: criteria provided, single submitter. Criteria: ACMG Guidelines, 2015. Collection method: clinical testing. Allele origin: germline. Affected: yes.
Comment: ACMG Criteria: PM2_P, PP3; Variant was found in heterozygous state.

Ambry Genetics
Classification: Uncertain significance for Cardiovascular phenotype. Last evaluated: 2025-06-09. Review status: criteria provided, single submitter. Criteria: Ambry Variant Classification Scheme 2023. Collection method: clinical testing. Allele origin: germline.
Comment: The p.R575Q variant (also known as c.1724G>A), located in coding exon 11 of the FLNC gene, results from a G to A substitution at nucleotide position 1724. The arginine at codon 575 is replaced by glutamine, an amino acid with highly similar properties. This amino acid position is highly conserved in available vertebrate species. In addition, this alteration is predicted to be deleterious by in silico analysis. Since supporting evidence is limited at this time, the clinical significance of this alteration remains unclear.

Labcorp Genetics (formerly Invitae), Labcorp
Classification: Uncertain significance for Distal myopathy with posterior leg and anterior hand involvement; Myofibrillar myopathy 5; Hypertrophic cardiomyopathy 26. Last evaluated: 2025-02-04. Review status: criteria provided, single submitter. Criteria: Invitae Variant Classification Sherloc (09022015). Collection method: clinical testing. Allele origin: germline.
Comment: This sequence change replaces arginine, which is basic and polar, with glutamine, which is neutral and polar, at codon 575 of the FLNC protein (p.Arg575Gln). This variant is present in population databases (rs764751276, gnomAD 0.005%). This variant has not been reported in the literature in individuals affected with FLNC-related conditions. ClinVar contains an entry for this variant (Variation ID: 1441166). Invitae Evidence Modeling of protein sequence and biophysical properties (such as structural, functional, and spatial information, amino acid conservation, physicochemical variation, residue mobility, and thermodynamic stability) has been performed for this missense variant. However, the output from this modeling did not meet the statistical confidence thresholds required to predict the impact of this variant on FLNC protein function. In summary, the available evidence is currently insufficient to determine the role of this variant in disease. Therefore, it has been classified as a Variant of Uncertain Significance.

GeneDx
Classification: Uncertain significance. Last evaluated: 2024-04-08. Review status: criteria provided, single submitter. Criteria: GeneDx Variant Classification Process June 2021. Collection method: clinical testing. Allele origin: germline. Affected: yes.
Comment: Not observed at significant frequency in large population cohorts (gnomAD); In silico analysis supports that this missense variant has a deleterious effect on protein structure/function; Has not been previously published as pathogenic or benign to our knowledge